The following is an entry in ClinVar:

ClinVar aggregate classification (germline): Uncertain significance. Review status: criteria provided, multiple submitters, no conflicts (2 of 4 stars). 2 submissions from 2 submitters: Uncertain significance (2). Last evaluated 2025-09-01.

Conditions:
Inborn genetic diseases. Identifiers: MedGen C0950123, MeSH D030342.
Alpha thalassemia-X-linked intellectual disability syndrome (ATRX). Also called: X-linked alpha-thalassemia-mental retardation syndrome; ALPHA-THALASSEMIA/IMPAIRED INTELLECTUAL DEVELOPMENT SYNDROME, X-LINKED; ALPHA-THALASSEMIA/MENTAL RETARDATION SYNDROME, X-LINKED; ATR, NONDELETION TYPE; ATR-X syndrome; Alpha thalassemia mental retardation syndrome, nondeletion type, X-linked. Identifiers: Orphanet 847, MedGen C1845055, MONDO:0010519, OMIM 301040.

Submissions (2):

Ambry Genetics
Classification: Uncertain significance for Inborn genetic diseases. Last evaluated: 2025-09-01. Review status: criteria provided, single submitter. Criteria: Ambry Variant Classification Scheme 2023. Collection method: clinical testing. Allele origin: germline.

Labcorp Genetics (formerly Invitae), Labcorp
Classification: Uncertain significance for Alpha thalassemia-X-linked intellectual disability syndrome. Last evaluated: 2023-11-25. Review status: criteria provided, single submitter. Criteria: Invitae Variant Classification Sherloc (09022015). Collection method: clinical testing. Allele origin: germline.
Comment: This sequence change replaces alanine, which is neutral and non-polar, with threonine, which is neutral and polar, at codon 940 of the ATRX protein (p.Ala940Thr). This variant is not present in population databases (gnomAD no frequency). This variant has not been reported in the literature in individuals affected with ATRX-related conditions. ClinVar contains an entry for this variant (Variation ID: 1445803). Advanced modeling of protein sequence and biophysical properties (such as structural, functional, and spatial information, amino acid conservation, physicochemical variation, residue mobility, and thermodynamic stability) performed at Invitae indicates that this missense variant is not expected to disrupt ATRX protein function with a negative predictive value of 95%. In summary, the available evidence is currently insufficient to determine the role of this variant in disease. Therefore, it has been classified as a Variant of Uncertain Significance.

NM_000489.6(ATRX):c.2818G>A (p.Ala940Thr)

Gene: ATRX (ATRX chromatin remodeler; minus strand). Cytogenetic location: Xq21.1.
Variant type: single nucleotide variant.
Coding change: c.2818G>A on transcript NM_000489.6 (MANE Select); coding-DNA position 2818, G replaced by A.
Protein change: p.Ala940Thr; replaces alanine 940 with threonine.
Molecular consequence: missense variant.
Genome position (GRCh38, 1-based): chrX:77,682,438, C>T on the plus strand (G>A on the coding strand, the complement: ATRX is on the minus strand). VCF-style: chrX-77682438-C-T. GRCh37 (hg19) VCF-style: chrX-76937930-C-T.
Other names: c.2818G>A (NM_000489.3); c.2704G>A, p.Ala902Thr (NM_138270.5); short protein forms A940T, A902T.
Identifiers: ClinVar variation 1445803 (VCV001445803.7), dbSNP rs2148588122, ClinGen allele CA413710387.